The following is an entry in ClinVar:

ClinVar aggregate classification (germline): Uncertain significance. Review status: criteria provided, multiple submitters, no conflicts (2 of 4 stars). 5 submissions from 5 submitters: Uncertain significance (5). Last evaluated 2026-06-30.

Conditions:
Inborn genetic diseases. Identifiers: MedGen C0950123, MeSH D030342.
Smith-Lemli-Opitz syndrome (SLOS). Also called: LETHAL ACRODYSGENITAL SYNDROME; POLYDACTYLY, SEX REVERSAL, RENAL HYPOPLASIA, AND UNILOBAR LUNG; RSH SYNDROME; RUTLEDGE LETHAL MULTIPLE CONGENITAL ANOMALY SYNDROME; 7-Dehydrocholesterol reductase deficiency. Identifiers: Orphanet 818, MedGen C0175694, MONDO:0010035, OMIM 270400.

Allele frequency attached by ClinVar (database versions not stated): ESP Exome Variant Server 0.00008.
gnomAD v4.1: 21 of 1,610,926 alleles (0.0013%); highest among the groups gnomAD compares: African/African-American, 0.019%; no homozygotes.

Submissions (5):

Women's Health and Genetics/Laboratory Corporation of America, LabCorp
Classification: Uncertain significance. Last evaluated: 2026-06-30. Review status: criteria provided, single submitter. Criteria: LabCorp Variant Classification Summary - May 2015. Collection method: clinical testing. Allele origin: germline.
Comment: Variant summary: DHCR7 c.1270G>T (p.Gly424Cys) results in a non-conservative amino acid change in the encoded protein sequence. Algorithms developed to predict the effect of missense changes on protein structure and function all suggest that this variant is likely to be disruptive. The variant allele was found at a frequency of 2.4e-05 in 246694 control chromosomes. The available data on variant occurrences in the general population are insufficient to allow any conclusion about variant significance. c.1270G>T has been observed in individual(s) affected with DHCR7-related conditions (Cross_2015). This report does not provide unequivocal conclusions about association of the variant with disease. To our knowledge, no experimental evidence demonstrating an impact on protein function has been reported. The following publication has been ascertained in the context of this evaluation (PMID: 24813812). ClinVar contains an entry for this variant (Variation ID: 1765447). Based on the evidence outlined above, the variant was classified as uncertain significance.

Myriad Genetics, Inc.
Classification: Uncertain significance for Smith-Lemli-Opitz syndrome. Last evaluated: 2025-08-07. Review status: criteria provided, single submitter. Criteria: Myriad Autosomal Dominant, Autosomal Recessive and X-Linked Classification Criteria (2023). Collection method: clinical testing. Allele origin: unknown.
Comment: NM_001360.2(DHCR7):c.1270G>T(G424C) is a missense variant classified as a variant of uncertain significance in the context of Smith-Lemli-Opitz syndrome. G424C has not been observed in cases with relevant disease. Relevant functional assessments of this variant are not available in the literature. G424C has been observed in referenced population frequency databases. In summary, there is insufficient evidence to classify NM_001360.2(DHCR7):c.1270G>T(G424C) as pathogenic or benign. Please note: this variant was assessed in the context of healthy population screening.

Fulgent Genetics
Classification: Uncertain significance for Smith-Lemli-Opitz syndrome. Last evaluated: 2024-05-16. Review status: criteria provided, single submitter. Criteria: ACMG Guidelines, 2015. Collection method: clinical testing. Allele origin: germline.

Labcorp Genetics (formerly Invitae), Labcorp
Classification: Uncertain significance for Smith-Lemli-Opitz syndrome. Last evaluated: 2022-01-03. Review status: criteria provided, single submitter. Criteria: Invitae Variant Classification Sherloc (09022015). Collection method: clinical testing. Allele origin: germline.
Comment: This sequence change replaces glycine, which is neutral and non-polar, with cysteine, which is neutral and slightly polar, at codon 424 of the DHCR7 protein (p.Gly424Cys). The frequency data for this variant in the population databases is considered unreliable, as metrics indicate poor data quality at this position in the gnomAD database. This missense change has been observed in individual(s) with Smith-Lemli-Opitz syndrome (PMID: 24813812). Algorithms developed to predict the effect of missense changes on protein structure and function are either unavailable or do not agree on the potential impact of this missense change (SIFT: "Tolerated"; PolyPhen-2: "Probably Damaging"; Align-GVGD: "Class C0"). In summary, the available evidence is currently insufficient to determine the role of this variant in disease. Therefore, it has been classified as a Variant of Uncertain Significance.

Ambry Genetics
Classification: Uncertain significance for Inborn genetic diseases. Last evaluated: 2019-08-08. Review status: criteria provided, single submitter. Criteria: Ambry Variant Classification Scheme 2023. Collection method: clinical testing. Allele origin: germline.
Comment: The p.G424C variant (also known as c.1270G>T), located in coding exon 7 of the DHCR7 gene, results from a G to T substitution at nucleotide position 1270. The glycine at codon 424 is replaced by cysteine, an amino acid with highly dissimilar properties. This amino acid position is not well conserved in available vertebrate species. In addition, the in silico prediction for this alteration is inconclusive. Since supporting evidence is limited at this time, the clinical significance of this alteration remains unclear.

Literature cited by the submitters: PubMed 24813812 (cited by Women's Health and Genetics/Laboratory Corporation of America, LabCorp and Labcorp Genetics (formerly Invitae), Labcorp).

NM_001360.3(DHCR7):c.1270G>T (p.Gly424Cys)

Gene: DHCR7 (7-dehydrocholesterol reductase; minus strand). Cytogenetic location: 11q13.4.
Variant type: single nucleotide variant.
Coding change: c.1270G>T on transcript NM_001360.3 (MANE Select); coding-DNA position 1270, G replaced by T.
Protein change: p.Gly424Cys; replaces glycine 424 with cysteine.
Molecular consequence: missense variant.
Genome position (GRCh38, 1-based): chr11:71,435,533, C>A on the plus strand (G>T on the coding strand, the complement: DHCR7 is on the minus strand). VCF-style: chr11-71435533-C-A. GRCh37 (hg19) VCF-style: chr11-71146579-C-A.
Other names: c.1270G>T, p.Gly424Cys (NM_001163817.2); short protein forms G424C.
Identifiers: ClinVar variation 1765447 (VCV001765447.7), dbSNP rs368150818, ClinGen allele CA6162274.